The following is an entry in ClinVar:

NM_144999.4(LRRC45):c.1434C>T (p.Ser478=)

Gene: LRRC45 (leucine rich repeat containing 45; plus strand). Cytogenetic location: 17q25.3.
Variant type: single nucleotide variant.
Coding change: c.1434C>T on transcript NM_144999.4 (MANE Select); coding-DNA position 1434, C replaced by T.
Protein change: p.Ser478=; no amino-acid change (serine 478 retained).
Molecular consequence: synonymous variant.
Genome position (GRCh38, 1-based): chr17:82,029,575, C>T. VCF-style: chr17-82029575-C-T. GRCh37 (hg19) VCF-style: chr17-79987451-C-T.
Identifiers: ClinVar variation 3350988 (VCV003350988.1).

ClinVar aggregate classification (germline): Likely benign (0 of 4 stars; one submission).

Conditions:
LRRC45-related disorder. Also called: LRRC45-related condition.

gnomAD v4.1: 53 of 1,578,564 alleles (0.0034%); highest among the groups gnomAD compares: Non-Finnish European, 0.0041%; no homozygotes.

Submission:

PreventionGenetics, part of Exact Sciences
Classification: Likely benign for LRRC45-related condition. Last evaluated: 2024-09-20. Review status: no assertion criteria provided. Collection method: clinical testing. Allele origin: germline.
Comment: This variant is classified as likely benign based on ACMG/AMP sequence variant interpretation guidelines (Richards et al. 2015 PMID: 25741868, with internal and published modifications).